The following is an entry in ClinVar:

NM_000787.4(DBH):c.1066A>G (p.Lys356Glu)

Gene: DBH (dopamine beta-hydroxylase; plus strand). Cytogenetic location: 9q34.2.
Variant type: single nucleotide variant.
Coding change: c.1066A>G on transcript NM_000787.4 (MANE Select); coding-DNA position 1066, A replaced by G.
Protein change: p.Lys356Glu; replaces lysine 356 with glutamic acid.
Molecular consequence: missense variant.
Genome position (GRCh38, 1-based): chr9:133,647,887, A>G. VCF-style: chr9-133647887-A-G. GRCh37 (hg19) VCF-style: chr9-136513009-A-G.
Other names: short protein forms K356E.
Identifiers: ClinVar variation 641075 (VCV000641075.6), dbSNP rs752941351, ClinGen allele CA5313304.

ClinVar aggregate classification (germline): Uncertain significance (1 of 4 stars; one submission).

Conditions:
Orthostatic hypotension 1 (ORTHYP1). Also called: Orthostatic hypotension 1, due to DBH deficiency; Dopamine beta-hydroxylase deficiency; NORADRENALINE DEFICIENCY; NOREPINEPHRINE DEFICIENCY. Identifiers: Orphanet 230, MedGen C4746777, MONDO:0009123, OMIM 223360.

Allele frequency attached by ClinVar (database versions not stated): ExAC 0.00001; gnomAD exomes 0.00001; TOPMed 0.00006; gnomAD 0.00009 and 0.00010.

Submission:

Labcorp Genetics (formerly Invitae), Labcorp
Classification: Uncertain significance for Orthostatic hypotension 1. Last evaluated: 2021-08-24. Review status: criteria provided, single submitter. Criteria: Invitae Variant Classification Sherloc (09022015). Collection method: clinical testing. Allele origin: germline.
Comment: This sequence change replaces lysine with glutamic acid at codon 356 of the DBH protein (p.Lys356Glu). The lysine residue is weakly conserved and there is a small physicochemical difference between lysine and glutamic acid. This variant is present in population databases (rs752941351, ExAC 0.01%). This variant has not been reported in the literature in individuals affected with DBH-related conditions. Algorithms developed to predict the effect of missense changes on protein structure and function (SIFT, PolyPhen-2, Align-GVGD) all suggest that this variant is likely to be tolerated. In summary, the available evidence is currently insufficient to determine the role of this variant in disease. Therefore, it has been classified as a Variant of Uncertain Significance.